The following is an entry in ClinVar:

ClinVar aggregate classification (germline): Pathogenic. Review status: criteria provided, multiple submitters, no conflicts (2 of 4 stars). 3 submissions from 3 submitters: Pathogenic (2). 1 of the submissions does not count toward it. Last evaluated 2024-08-05.

Conditions:
Ciliopathy. Also called: Ciliopathies. Identifiers: Orphanet 363250, MedGen C4277690, MONDO:0005308, MeSH D000072661.
Meckel-Gruber syndrome. Also called: DYSENCEPHALIA SPLANCHNOCYSTICA; GRUBER SYNDROME; Dysencephalia splachnocystica. Identifiers: Orphanet 564, MedGen C0265215, MONDO:0018921.
Joubert syndrome. Also called: JOUBERT-BOLTSHAUSER SYNDROME; Familial aplasia of the vermis. Identifiers: Orphanet 475, MedGen C5979921, MONDO:0018772.

Submissions (3):

Molecular Genetics, Royal Melbourne Hospital
Classification: Pathogenic for Ciliopathy. Last evaluated: 2024-08-05. Review status: criteria provided, single submitter. Criteria: ACMG Guidelines, 2015. Collection method: clinical testing. Allele origin: germline. Inheritance: Autosomal recessive inheritance.

Labcorp Genetics (formerly Invitae), Labcorp
Classification: Pathogenic for Joubert syndrome; Meckel-Gruber syndrome. Last evaluated: 2019-05-30. Review status: criteria provided, single submitter. Criteria: Invitae Variant Classification Sherloc (09022015). Collection method: clinical testing. Allele origin: germline.
Comment: For these reasons, this variant has been classified as Pathogenic. Loss-of-function variants in RPGRIP1L are known to be pathogenic (PMID: 17558409). This variant has not been reported in the literature in individuals with RPGRIP1L-related conditions. This variant is not present in population databases (ExAC no frequency). This sequence change creates a premature translational stop signal (p.Gly23Leufs*15) in the RPGRIP1L gene. It is expected to result in an absent or disrupted protein product.

Gharavi Laboratory, Columbia University
Classification: Uncertain significance. Last evaluated: 2018-09-16. Review status: no assertion criteria provided. Criteria: ACMG Guidelines, 2015. Collection method: research. Allele origin: germline. Affected: yes. Not counted in ClinVar's aggregate classification.

Literature cited by the submitters: PubMed 17558409 (cited by Labcorp Genetics (formerly Invitae), Labcorp).

NM_015272.5(RPGRIP1L):c.65_66dup (p.Gly23fs)

Gene: RPGRIP1L (RPGRIP1 like; minus strand). Cytogenetic location: 16q12.2.
Variant type: Duplication.
Coding change: c.65_66dup on transcript NM_015272.5 (MANE Select); coding-DNA positions 65 to 66, 2 bases duplicated (TT; older notation c.65_66dupTT).
Protein change: p.Gly23fs; shifts the reading frame from glycine 23.
Molecular consequence: frameshift variant.
Genome position (GRCh38, 1-based): chr16:53,700,658-53,700,659, AA duplicated on the plus strand (TT on the coding strand, the reverse complement: RPGRIP1L is on the minus strand); duplicating any 2 consecutive bases within chr16:53,700,658-53,700,660 gives the same sequence; the c. name uses the placement nearest the transcript's 3' end. VCF-style (leftmost placement, unchanged base first): chr16-53700657-C-CAA. GRCh37 (hg19) VCF-style: chr16-53734569-C-CAA.
Other names: c.65_66dupTT (NM_015272.5); c.65_66dup, p.Gly23fs (NM_001127897.4, NM_001308334.3, NM_001328422.2 and 2 more transcripts); short protein forms G23fs.
Identifiers: ClinVar variation 591751 (VCV000591751.10), dbSNP rs1567902051, ClinGen allele CA891863059.